The following is an entry in ClinVar:

ClinVar aggregate classification (germline): Likely pathogenic. Review status: criteria provided, multiple submitters, no conflicts (2 of 4 stars). 5 submissions from 5 submitters: Likely pathogenic (2). 3 of the submissions do not count toward it. Last evaluated 2025-08-07.

Conditions:
Beta-thalassemia HBB/LCRB. Identifiers: MedGen CN322236, MONDO:0013517, OMIM 613985.
beta Thalassemia (BTHAL). Also called: Cooley's anemia; Erythroblastic anemia; Mediterranean anemia. Identifiers: Orphanet 848, MedGen C0005283, MONDO:0019402. Disease mechanism: loss of function.
Beta-thalassemia, Ashkenazi Jewish type.

Submissions (5):

Natera, Inc.
Classification: Likely pathogenic for Beta thalassemia. Last evaluated: 2025-08-07. Review status: criteria provided, single submitter. Criteria: Natera Variant Classification Schema (03/2026). Collection method: clinical testing. Allele origin: germline.
Comment: The c.64dupG variant in HBB is a frameshift variant predicted to shift the reading frame beginning at codon 22 and leads to a stop codon 2 codons downstream. This variant is expected to result in nonsense mediated decay, truncation, or a dysfunctional protein product. This variant is rare in the general population with a frequency below the threshold expected for the associated phenotype(s). Given the available evidence, this variant is classified as Likely Pathogenic.

Women's Health and Genetics/Laboratory Corporation of America, LabCorp
Classification: Likely pathogenic for beta Thalassemia. Last evaluated: 2023-04-07. Review status: criteria provided, single submitter. Criteria: LabCorp Variant Classification Summary - May 2015. Collection method: clinical testing. Allele origin: germline.
Comment: Variant summary: HBB c.64dupG (p.Asp22GlyfsX2) results in a premature termination codon, predicted to cause a truncation of the encoded protein or absence of the protein due to nonsense mediated decay, which are commonly known mechanisms for disease. Truncations downstream of this position have been classified as pathogenic by our laboratory. The variant was absent in 251278 control chromosomes (gnomAD). c.64dupG has been reported in the literature in an individual reported as a Beta Thalassemia carrier (Oppenheim_1993). These report(s) do not provide unequivocal conclusions about association of the variant with Beta Thalassemia.Two clinical diagnostic laboratories have submitted clinical-significance assessments for this variant to ClinVar after 2014 and classified the variant as pathogenic/likely pathogenic. Based on the evidence outlined above, the variant was classified as likely pathogenic.

The ITHANET community portal, The Cyprus Institute of Neurology and Genetics
Classification: Pathogenic for beta Thalassemia. Last evaluated: 2019-11-25. Review status: no assertion criteria provided. Collection method: curation. Allele origin: germline. Not counted in ClinVar's aggregate classification.

Counsyl
Classification: Likely pathogenic for Beta-thalassemia HBB/LCRB. Last evaluated: 2017-04-07. Review status: no assertion criteria provided. Collection method: clinical testing. Allele origin: unknown. Not counted in ClinVar's aggregate classification.

OMIM
Classification: Pathogenic for BETA-THALASSEMIA, ASHKENAZI JEWISH TYPE. Last evaluated: 1997-01-01. Review status: no assertion criteria provided. Collection method: literature only. Allele origin: germline. Not counted in ClinVar's aggregate classification.

Literature cited by the submitters: PubMed 8318995 (cited by 3 submitters); PubMed 21797702 (cited by Counsyl); PubMed 8990020 (cited by OMIM).

NM_000518.5(HBB):c.64dup (p.Asp22fs)

Genes: HBB (hemoglobin subunit beta; minus strand), LOC106099062 (HBB recombination region; plus strand), LOC107133510 (origin of replication at HBB; plus strand). Cytogenetic location: 11p15.4.
Variant type: Duplication.
Coding change: c.64dup on transcript NM_000518.5 (MANE Select); coding-DNA position 64, one base duplicated (G; older notation c.64dupG).
Protein change: p.Asp22fs; shifts the reading frame from aspartic acid 22.
Molecular consequence: frameshift variant.
Genome position (GRCh38, 1-based): chr11:5,226,958, C duplicated on the plus strand (G on the coding strand, the reverse complement: HBB is on the minus strand); the first of 2 consecutive C bases (chr11:5,226,958-5,226,959); duplicating either gives the same sequence. VCF-style (leftmost placement, unchanged base first): chr11-5226957-T-TC. GRCh37 (hg19) VCF-style: chr11-5248187-T-TC.
Other names: CD 20/21 (+G); c.64dupG (NM_000518.4, NM_000518.5); short protein forms D22fs.
Identifiers: ClinVar variation 551389 (VCV000551389.5), dbSNP rs1554918165, ClinGen allele CA658822513.